The following is an entry in ClinVar:

NM_001365951.3(KIF1B):c.2392C>G (p.Leu798Val)

Gene: KIF1B (kinesin family member 1B; plus strand). Cytogenetic location: 1p36.22.
Variant type: single nucleotide variant.
Coding change: c.2392C>G on transcript NM_001365951.3 (MANE Select); coding-DNA position 2392, C replaced by G.
Protein change: p.Leu798Val; replaces leucine 798 with valine.
Molecular consequence: missense variant.
Genome position (GRCh38, 1-based): chr1:10,323,917, C>G. VCF-style: chr1-10323917-C-G. GRCh37 (hg19) VCF-style: chr1-10383975-C-G.
Other names: c.2392C>G, p.Leu798Val (NM_001365952.1); c.2254C>G, p.Leu752Val (NM_015074.3); short protein forms L798V, L752V.
Identifiers: ClinVar variation 1788489 (VCV001788489.7), dbSNP rs2521622242, ClinGen allele CA338334416.

ClinVar aggregate classification (germline): Uncertain significance. Review status: criteria provided, multiple submitters, no conflicts (2 of 4 stars). 2 submissions from 2 submitters: Uncertain significance (2). Last evaluated 2022-10-11.

Conditions:
Charcot-Marie-Tooth disease type 2. Also called: Charcot-Marie-Tooth type 2. Identifiers: Orphanet 64746, MedGen C0270914, MONDO:0018993.

gnomAD v4.1: 1 of 1,614,120 alleles (0.000062%); highest among the groups gnomAD compares: South Asian, 0.0011%; no homozygotes.

Submissions (2):

Ambry Genetics
Classification: Uncertain significance. Last evaluated: 2022-10-11. Review status: criteria provided, single submitter. Criteria: Ambry Variant Classification Scheme 2023. Collection method: clinical testing. Allele origin: germline.
Comment: The p.L752V variant (also known as c.2254C>G), located in coding exon 22 of the KIF1B gene, results from a C to G substitution at nucleotide position 2254. The leucine at codon 752 is replaced by valine, an amino acid with highly similar properties. This amino acid position is conserved. In addition, the in silico prediction for this alteration is inconclusive. Since supporting evidence is limited at this time, the clinical significance of this alteration remains unclear.

Labcorp Genetics (formerly Invitae), Labcorp
Classification: Uncertain significance for Charcot-Marie-Tooth disease type 2. Last evaluated: 2022-03-13. Review status: criteria provided, single submitter. Criteria: Invitae Variant Classification Sherloc (09022015). Collection method: clinical testing. Allele origin: germline.
Comment: This sequence change replaces leucine, which is neutral and non-polar, with valine, which is neutral and non-polar, at codon 752 of the KIF1B protein (p.Leu752Val). In summary, the available evidence is currently insufficient to determine the role of this variant in disease. Therefore, it has been classified as a Variant of Uncertain Significance. Algorithms developed to predict the effect of missense changes on protein structure and function are either unavailable or do not agree on the potential impact of this missense change (SIFT: "Deleterious"; PolyPhen-2: "Benign"; Align-GVGD: "Class C0"). This variant has not been reported in the literature in individuals affected with KIF1B-related conditions. This variant is not present in population databases (gnomAD no frequency).